The following is an entry in ClinVar:

ClinVar aggregate classification (germline): Uncertain significance (1 of 4 stars; one submission).

Allele frequency attached by ClinVar (database versions not stated): gnomAD exomes below 0.00001.
gnomAD v4.1: 8 of 1,614,202 alleles (0.0005%); highest among the groups gnomAD compares: Admixed American, 0.012%; no homozygotes.

Submission:

Labcorp Genetics (formerly Invitae), Labcorp
Classification: Uncertain significance. Last evaluated: 2025-05-08. Review status: criteria provided, single submitter. Criteria: Invitae Variant Classification Sherloc (09022015). Collection method: clinical testing. Allele origin: germline.
Comment: This sequence change replaces glycine, which is neutral and non-polar, with serine, which is neutral and polar, at codon 332 of the HYOU1 protein (p.Gly332Ser). This variant is present in population databases (no rsID available, gnomAD 0.003%). This variant has not been reported in the literature in individuals affected with HYOU1-related conditions. ClinVar contains an entry for this variant (Variation ID: 1493640). An algorithm developed to predict the effect of missense changes on protein structure and function (PolyPhen-2) suggests that this variant is likely to be disruptive. In summary, the available evidence is currently insufficient to determine the role of this variant in disease. Therefore, it has been classified as a Variant of Uncertain Significance.

NM_006389.5(HYOU1):c.994G>A (p.Gly332Ser)

Gene: HYOU1 (hypoxia up-regulated 1; minus strand). Cytogenetic location: 11q23.3.
Variant type: single nucleotide variant.
Coding change: c.994G>A on transcript NM_006389.5 (MANE Select); coding-DNA position 994, G replaced by A.
Protein change: p.Gly332Ser; replaces glycine 332 with serine.
Molecular consequence: missense variant.
Genome position (GRCh38, 1-based): chr11:119,052,423, C>T on the plus strand (G>A on the coding strand, the complement: HYOU1 is on the minus strand). VCF-style: chr11-119052423-C-T. GRCh37 (hg19) VCF-style: chr11-118923135-C-T.
Other names: c.994G>A, p.Gly332Ser (NM_001130991.3); short protein forms G332S.
Identifiers: ClinVar variation 1493640 (VCV001493640.8), dbSNP rs1270726892, ClinGen allele CA382943131.
Genomic context (GRCh38, chr11:119,052,423, plus strand): 5'-ACAACTCCTCAAATTCCACACGAGTCACTTTTGCCTTGAAGTCCACATCATCCATCAGGC[C>T]TTCAATCTGGGAGAGGATGGGGACTGTCAGGGGGTTCTTGCCCAGCTCCCGCTCTCTTGG-3'
Protein context (NP_006380.1, residues 322-342): ANADHMAQIE[Gly332Ser]LMDDVDFKAK